The following is an entry in ClinVar:

NM_005120.3(MED12):c.117_122del (p.Asn40_Val41del)

Gene: MED12 (mediator complex subunit 12; plus strand). Cytogenetic location: Xq13.1.
Variant type: Deletion.
Coding change: c.117_122del on transcript NM_005120.3 (MANE Select); coding-DNA positions 117 to 122, 6 bases deleted (GAATGT; older notation c.117_122delGAATGT).
Protein change: p.Asn40_Val41del.
Molecular consequence: inframe deletion.
Genome position (GRCh38, 1-based): chrX:71,119,390-71,119,395, GAATGT deleted; deleting any 6 consecutive bases within chrX:71,119,389-71,119,395 gives the same sequence; the c. name uses the placement nearest the transcript's 3' end. VCF-style (leftmost placement, unchanged base first): chrX-71119388-TTGAATG-T. GRCh37 (hg19) VCF-style: chrX-70339238-TTGAATG-T.
Identifiers: ClinVar variation 92205 (VCV000092205.2), dbSNP rs199469683, ClinGen allele CA145539.
Genomic context (GRCh38, chrX:71,119,388, plus strand): 5'-CTTCCCCTAAGGAAAAAACAACTAAACGCCGCTTTCCTGCCTCAGGATGAACTGACGGCC[TTGAATG>T]TAAAACAAGGTTTCAATAACCAGCCTGCTGTCTCTGGGGATGAGCATGGCAGTGCCAAGA-3'

ClinVar aggregate classification (germline): not provided (0 of 4 stars; one submission).

Conditions:
Uterine leiomyoma (UL). Also called: Uterine corpus leiomyoma. Identifiers: MedGen C0042133, MONDO:0007886, OMIM 150699, HP:0000131.

Submission:

Rajkovic Lab, University of Pittsburgh
No classification provided. Condition: Leiomyoma, uterine. Review status: no classification provided. Collection method: not provided. Allele origin: somatic.
ClinVar note: Converted during submission from Associated with leiomyomas to not provided.